The following is an entry in ClinVar:

ClinVar aggregate classification (germline): Uncertain significance. Review status: criteria provided, multiple submitters, no conflicts (2 of 4 stars). 3 submissions from 3 submitters: Uncertain significance (3). Last evaluated 2024-01-08.

Conditions:
Inborn genetic diseases. Identifiers: MedGen C0950123, MeSH D030342.
Developmental and epileptic encephalopathy, 1 (DEE1). Also called: INFANTILE SPASM SYNDROME, X-LINKED 1; Epileptic encephalopathy, early infantile, 1; X-linked infantile spasms; West's syndrome; Tonic spasms with clustering, arrest of psychomotor development and hypsarrhythmia on EEG; X-Linked Infantile Spasm Syndrome. Identifiers: MedGen C3463992, MONDO:0010632, OMIM 308350. Disease mechanism: loss of function.
Autosomal recessive spinocerebellar ataxia 12. Also called: SPINOCEREBELLAR ATAXIA WITH MENTAL RETARDATION AND EPILEPSY. Identifiers: Orphanet 284282, MedGen C3280452, MONDO:0013687, OMIM 614322.

Allele frequency attached by ClinVar (database versions not stated): TOPMed below 0.00001; ExAC 0.00002.
gnomAD v4.1: 7 of 1,614,208 alleles (0.00043%); highest among the groups gnomAD compares: Admixed American, 0.01%; no homozygotes.

Submissions (3):

Ambry Genetics
Classification: Uncertain significance for Inborn genetic diseases. Last evaluated: 2024-01-08. Review status: criteria provided, single submitter. Criteria: Ambry Variant Classification Scheme 2023. Collection method: clinical testing. Allele origin: germline.

Labcorp Genetics (formerly Invitae), Labcorp
Classification: Uncertain significance for Developmental and epileptic encephalopathy, 1; Autosomal recessive spinocerebellar ataxia 12. Last evaluated: 2022-06-24. Review status: criteria provided, single submitter. Criteria: Invitae Variant Classification Sherloc (09022015). Collection method: clinical testing. Allele origin: germline.
Comment: This sequence change replaces methionine, which is neutral and non-polar, with isoleucine, which is neutral and non-polar, at codon 326 of the WWOX protein (p.Met326Ile). This variant is present in population databases (rs748074874, gnomAD 0.006%). This variant has not been reported in the literature in individuals affected with WWOX-related conditions. ClinVar contains an entry for this variant (Variation ID: 540236). Algorithms developed to predict the effect of missense changes on protein structure and function are either unavailable or do not agree on the potential impact of this missense change (SIFT: "Not Available"; PolyPhen-2: "Benign"; Align-GVGD: "Not Available"). In summary, the available evidence is currently insufficient to determine the role of this variant in disease. Therefore, it has been classified as a Variant of Uncertain Significance.

GeneDx
Classification: Uncertain significance. Last evaluated: 2021-01-04. Review status: criteria provided, single submitter. Criteria: GeneDx Variant Classification Process June 2021. Collection method: clinical testing. Allele origin: germline. Affected: yes.
Comment: In silico analysis supports that this missense variant does not alter protein structure/function; Has not been previously published as pathogenic or benign to our knowledge

NM_016373.4(WWOX):c.978G>C (p.Met326Ile)

Gene: WWOX (WW domain containing oxidoreductase; plus strand). Cytogenetic location: 16q23.1.
Variant type: single nucleotide variant.
Coding change: c.978G>C on transcript NM_016373.4 (MANE Select); coding-DNA position 978, G replaced by C.
Protein change: p.Met326Ile; replaces methionine 326 with isoleucine.
Molecular consequence: missense variant.
Genome position (GRCh38, 1-based): chr16:78,432,674, G>C. VCF-style: chr16-78432674-G-C. GRCh37 (hg19) VCF-style: chr16-78466571-G-C.
Other names: c.639G>C, p.Met213Ile (NM_001291997.2); short protein forms M326I, M213I.
Identifiers: ClinVar variation 540236 (VCV000540236.9), dbSNP rs748074874, ClinGen allele CA8183588.